The following is an entry in ClinVar:

ClinVar aggregate classification (germline): Uncertain significance (1 of 4 stars; one submission).

gnomAD v4.1: 1 of 1,613,868 alleles (0.000062%); highest among the groups gnomAD compares: Middle Eastern, 0.016%; no homozygotes.

Submission:

GeneDx
Classification: Uncertain significance. Last evaluated: 2025-03-11. Review status: criteria provided, single submitter. Criteria: GeneDx Variant Classification Process June 2021. Collection method: clinical testing. Allele origin: germline. Affected: yes.
Comment: Not observed at significant frequency in large population cohorts (gnomAD); In silico analysis supports that this missense variant has a deleterious effect on protein structure/function; Has not been previously published as pathogenic or benign to our knowledge

NM_003238.6(TGFB2):c.1156G>C (p.Glu386Gln)

Gene: TGFB2 (transforming growth factor beta 2; plus strand). Cytogenetic location: 1q41.
Variant type: single nucleotide variant.
Coding change: c.1156G>C on transcript NM_003238.6 (MANE Select); coding-DNA position 1156, G replaced by C.
Protein change: p.Glu386Gln; replaces glutamic acid 386 with glutamine.
Molecular consequence: missense variant. On other transcripts: non-coding transcript variant (2).
Genome position (GRCh38, 1-based): chr1:218,441,273, G>C. VCF-style: chr1-218441273-G-C. GRCh37 (hg19) VCF-style: chr1-218614615-G-C.
Other names: c.1240G>C, p.Glu414Gln (NM_001135599.4); short protein forms E386Q, E414Q.
Identifiers: ClinVar variation 4083387 (VCV004083387.1).
Genomic context (GRCh38, chr1:218,441,273, plus strand): 5'-TTATATAATACCATAAATCCAGAAGCATCTGCTTCTCCTTGCTGCGTGTCCCAAGATTTA[G>C]AACCTCTAACCATTCTCTACTACATTGGCAAAACACCCAAGATTGAACAGCTTTCTAATA-3'
Protein context (NP_003229.1, residues 376-396): ASPCCVSQDL[Glu386Gln]PLTILYYIGK